The following is an entry in ClinVar:

ClinVar aggregate classification (germline): Pathogenic. Review status: criteria provided, multiple submitters, no conflicts (2 of 4 stars). 4 submissions from 4 submitters: Pathogenic (4). Last evaluated 2025-09-30.

Conditions:
Succinate-semialdehyde dehydrogenase deficiency (SSADHD). Also called: Succinic Semialdehyde Dehydrogenase Deficiency; SSADH DEFICIENCY; 4-HYDROXYBUTYRIC ACIDURIA; GABA METABOLIC DEFECT. Identifiers: Orphanet 22, MedGen C0268631, MONDO:0010083, OMIM 271980.

Submissions (4):

GeneDx
Classification: Pathogenic. Last evaluated: 2025-09-30. Review status: criteria provided, single submitter. Criteria: GeneDx Variant Classification Process June 2021. Collection method: clinical testing. Allele origin: germline.
Comment: Frameshift variant predicted to result in protein truncation or nonsense mediated decay in a gene for which loss of function is a known mechanism of disease; Not observed at significant frequency in large population cohorts (gnomAD); This variant is associated with the following publications: (PMID: 38499966, 26220405)

3billion
Classification: Pathogenic for Succinate-semialdehyde dehydrogenase deficiency. Last evaluated: 2025-08-04. Review status: criteria provided, single submitter. Criteria: ACMG Guidelines, 2015. Collection method: clinical testing. Allele origin: germline. Affected: yes.
Comment: The variant is observed at an extremely low frequency in the gnomAD v4.1.0 dataset (total allele frequency: <0.001%). Predicted Consequence/Location: Frameshift: predicted to result in a loss or disruption of normal protein function through nonsense-mediated decay (NMD) or protein truncation. Multiple pathogenic variants are reported downstream of the variant. The variant has been reported at least twice as pathogenic with clinical assertions and evidence for the classification (ClinVar ID: VCV000964314 /3billion dataset). Therefore, this variant is classified as Pathogenic according to the recommendation of ACMG/AMP guideline.

Labcorp Genetics (formerly Invitae), Labcorp
Classification: Pathogenic for Succinate-semialdehyde dehydrogenase deficiency. Last evaluated: 2024-03-26. Review status: criteria provided, single submitter. Criteria: Invitae Variant Classification Sherloc (09022015). Collection method: clinical testing. Allele origin: germline.
Comment: This sequence change creates a premature translational stop signal (p.Gln43Argfs*50) in the ALDH5A1 gene. It is expected to result in an absent or disrupted protein product. Loss-of-function variants in ALDH5A1 are known to be pathogenic (PMID: 14635103). This variant is not present in population databases (gnomAD no frequency). This premature translational stop signal has been observed in individual(s) with succinic semialdehyde dehydrogenase deficiency (PMID: 26220405). This variant is also known as c.127-128insGGCCC. ClinVar contains an entry for this variant (Variation ID: 964314). For these reasons, this variant has been classified as Pathogenic.

Elsea Laboratory, Baylor College of Medicine
Classification: Pathogenic for Succinate-semialdehyde dehydrogenase deficiency. Last evaluated: 2021-03-08. Review status: criteria provided, single submitter. Criteria: Martin et al. (J Child Neurol. 2021). Collection method: curation. Allele origin: germline. Affected: yes.

Literature cited by the submitters: PubMed 14635103 (cited by Labcorp Genetics (formerly Invitae), Labcorp); PubMed 26220405 (cited by Labcorp Genetics (formerly Invitae), Labcorp and Elsea Laboratory, Baylor College of Medicine).

NM_001080.3(ALDH5A1):c.123_127dup (p.Gln43fs)

Genes: ALDH5A1 (aldehyde dehydrogenase 5 family member A1; plus strand), GPLD1 (glycosylphosphatidylinositol specific phospholipase D1; minus strand), LOC129995978 (ATAC-STARR-seq lymphoblastoid silent region 16989; plus strand). Cytogenetic location: 6p22.3.
Variant type: Microsatellite.
Coding change: c.123_127dup on transcript NM_001080.3 (MANE Select); coding-DNA positions 123 to 127, 5 bases duplicated (GGCCC; older notation c.123_127dupGGCCC).
Protein change: p.Gln43fs; shifts the reading frame from glutamine 43.
Molecular consequence: frameshift variant.
Genome position (GRCh38, 1-based): chr6:24,495,119-24,495,123, GGCCC duplicated; duplicating any 5 consecutive bases within chr6:24,495,110-24,495,123 gives the same sequence; the c. name uses the placement nearest the transcript's 3' end. VCF-style (leftmost placement, unchanged base first): chr6-24495109-C-CGCCCG. GRCh37 (hg19) VCF-style: chr6-24495337-C-CGCCCG.
Other names: c.123_127dup, p.Gln43fs (NM_001368954.1, NM_170740.1); short protein forms Q43fs.
Identifiers: ClinVar variation 964314 (VCV000964314.14), dbSNP rs1273153948, ClinGen allele CA823317740.